The following is an entry in ClinVar:

ClinVar aggregate classification (germline): Benign/Likely benign. Review status: criteria provided, multiple submitters, no conflicts (2 of 4 stars). 3 submissions from 3 submitters: Benign (1); Likely benign (2). Last evaluated 2026-02-02.

Submissions (3):

Labcorp Genetics (formerly Invitae), Labcorp
Classification: Benign. Last evaluated: 2026-02-02. Review status: criteria provided, single submitter. Criteria: Invitae Variant Classification Sherloc (09022015). Collection method: clinical testing. Allele origin: germline.

Blueprint Genetics
Classification: Likely benign. Last evaluated: 2024-11-26. Review status: criteria provided, single submitter. Criteria: ACMG Guidelines, 2015. Collection method: clinical testing. Allele origin: germline.

Mayo Clinic Laboratories, Mayo Clinic
Classification: Likely benign. Last evaluated: 2024-11-06. Review status: criteria provided, single submitter. Criteria: ACMG Guidelines, 2015. Collection method: clinical testing. Allele origin: germline. Observed: 4 variant alleles.
Comment: BP4, BP7, PM2_moderate

NM_016239.4(MYO15A):c.4038+8GT[33]

Gene: MYO15A (myosin XVA; plus strand). Cytogenetic location: 17p11.2.
Variant type: Microsatellite.
Coding change: c.4038+8GT[33] on transcript NM_016239.4 (MANE Select); 33 copies in a row of the 2-base unit GT starting at c.4038+8; the reference has 27 copies in a row; six copies, 12 bases duplicated.
Molecular consequence: intron variant.
Genome position (GRCh38, 1-based): chr17:18,130,860-18,130,871, GTGTGTGTGTGT duplicated; duplicating any 12 consecutive bases within chr17:18,130,818-18,130,871 gives the same sequence; the position shown is the placement nearest the transcript's 3' end. VCF-style (leftmost placement, unchanged base first): chr17-18130817-A-AGTGTGTGTGTGT. GRCh37 (hg19) VCF-style: chr17-18034131-A-AGTGTGTGTGTGT.
Other names: p.?; c.4038+50_4038+61dup (NM_016239.4).
Identifiers: ClinVar variation 774515 (VCV000774515.9), dbSNP rs59214589, ClinGen allele CA288395318.